The following is an entry in ClinVar:

GRCh37/hg19 18q21.2(chr18:49286617-49331863)x1

Variant type: copy number loss.
Change: copy number 1 (one copy instead of two) of chr18:49,286,617-49,331,863 (45.2 kb, GRCh37 coordinates, 1-based), cytogenetic band 18q21.2.
Identifiers: ClinVar variation 2671893 (VCV002671893.2).

ClinVar aggregate classification (germline): Likely pathogenic (0 of 4 stars; one submission).

Conditions:
Dyggve-Melchior-Clausen syndrome (DMC). Also called: Dyggve-Melchior-Clausen disease; DMC syndrome. Identifiers: Orphanet 239, MedGen C0265286, MONDO:0009130, OMIM 223800.

Submission:

Department Of Genetics, Lifeline Super Speciality Hospital, Adoor.
Classification: Likely pathogenic for Dyggve-Melchior-Clausen syndrome. Last evaluated: 2023-02-17. Review status: no assertion criteria provided. Collection method: clinical testing. Allele origin: biparental, de novo. Inheritance: Autosomal recessive inheritance. Affected: yes. Observed: 1 variant allele, 2 homozygotes. Clinical features observed: Short stature, absent speech, Microcephaly(HC-49cm).
Comment: On in silico CNV analysis, an exonic deletion of size ~12.5280 kb on chromosome 18, comprising exons 7 to 8 of the DYM gene , suggestive of a copy number variant was detected, suggestive of a homozygous deletion of this region. Dyggve-Melchior-clausen disease (DMC) (OMIM#223800) and Smith-McCort Dysplasia-1 (SMC1) (OMIM#607326) are caused by homozygous or compound heterozygous mutations in the DYM gene. Short-trunk dwarfism and microcephaly are present, and specific radiologic appearances most likely reflect abnormalities of the growth plates, including platyspondyly with notched end plates, metaphyseal irregularities, laterally displaced capital femoral epiphyses, and small iliac wings with lacy iliac crests (summary by El Ghouzzi et al., 2003).

Literature cited by the submitters: PubMed 35477554.